The following is an entry in ClinVar:

ClinVar aggregate classification (germline): Uncertain significance (1 of 4 stars; one submission).

Conditions:
Hereditary cancer-predisposing syndrome. Also called: Hereditary Cancer Syndrome; Tumor predisposition; Hereditary neoplastic syndrome; Neoplastic Syndromes, Hereditary. Identifiers: Orphanet 140162, MedGen C0027672, MeSH D009386, MONDO:0015356.

gnomAD v4.1: 2 of 1,608,558 alleles (0.00012%); highest among the groups gnomAD compares: Non-Finnish European, 0.00017%; no homozygotes.

Submission:

Ambry Genetics
Classification: Uncertain significance for Hereditary cancer-predisposing syndrome. Last evaluated: 2024-03-26. Review status: criteria provided, single submitter. Criteria: Ambry Variant Classification Scheme 2023. Collection method: clinical testing. Allele origin: germline.
Comment: The p.S142R variant (also known as c.426T>G), located in coding exon 4 of the BRCA2 gene, results from a T to G substitution at nucleotide position 426. This variant impacts the first base pair of coding exon 4. The serine at codon 142 is replaced by arginine, an amino acid with dissimilar properties. This amino acid position is highly conserved in available vertebrate species. In addition, the in silico prediction for this alteration is inconclusive. Based on the available evidence, the clinical significance of this alteration remains unclear.

NM_000059.4(BRCA2):c.426T>G (p.Ser142Arg)

Gene: BRCA2 (BRCA2 DNA repair associated; plus strand). Cytogenetic location: 13q13.1.
Variant type: single nucleotide variant.
Coding change: c.426T>G on transcript NM_000059.4 (MANE Select); coding-DNA position 426, T replaced by G.
Protein change: p.Ser142Arg; replaces serine 142 with arginine.
Molecular consequence: missense variant. On other transcripts: non-coding transcript variant (1).
Genome position (GRCh38, 1-based): chr13:32,326,101, T>G. VCF-style: chr13-32326101-T-G. GRCh37 (hg19) VCF-style: chr13-32900238-T-G.
Other names: c.426T>G, p.Ser142Arg (NM_001406719.1, NM_001406720.1, NM_001406721.1); c.57T>G, p.Ser19Arg (NM_001406722.1); short protein forms S142R, S19R.
Identifiers: ClinVar variation 3261552 (VCV003261552.1).